The following is an entry in ClinVar:

ClinVar aggregate classification (germline): Uncertain significance. Review status: criteria provided, multiple submitters, no conflicts (2 of 4 stars). 5 submissions from 5 submitters: Uncertain significance (3). 2 of the submissions do not count toward it. Last evaluated 2024-12-02.

Conditions:
RPGRIP1L-related disorder. Also called: RPGRIP1L-related disorders; RPGRIP1L-related condition. Identifiers: MedGen CN239416.
COACH syndrome 3. Identifiers: MedGen C5436841, MONDO:0030862, OMIM 619113.
Joubert syndrome 7 (JBTS7). Identifiers: Orphanet 220497, MedGen C1969053, MONDO:0012694, OMIM 611560.
Meckel syndrome, type 5 (MKS5). Identifiers: Orphanet 564, MedGen C1969052, MONDO:0012695, OMIM 611561.
Inborn genetic diseases. Identifiers: MedGen C0950123, MeSH D030342.
Joubert syndrome. Also called: Familial aplasia of the vermis; JOUBERT-BOLTSHAUSER SYNDROME. Identifiers: Orphanet 475, MedGen C5979921, MONDO:0018772.
Meckel-Gruber syndrome. Also called: DYSENCEPHALIA SPLANCHNOCYSTICA; GRUBER SYNDROME; Dysencephalia splachnocystica. Identifiers: Orphanet 564, MedGen C0265215, MONDO:0018921.

Allele frequency attached by ClinVar (database versions not stated): gnomAD exomes 0.00002 and 0.00006; ExAC 0.00003; gnomAD 0.00009; 1000 Genomes Project 30x 0.00031; TOPMed 0.00008; 1000 Genomes Project 0.00020.
gnomAD v4.1: 46 of 1,614,026 alleles (0.0029%); highest among the groups gnomAD compares: African/African-American, 0.032%; no homozygotes.

Submissions (5):

Labcorp Genetics (formerly Invitae), Labcorp
Classification: Uncertain significance for Joubert syndrome; Meckel-Gruber syndrome. Last evaluated: 2024-12-02. Review status: criteria provided, single submitter. Criteria: Invitae Variant Classification Sherloc (09022015). Collection method: clinical testing. Allele origin: germline.
Comment: This sequence change replaces arginine, which is basic and polar, with glutamine, which is neutral and polar, at codon 649 of the RPGRIP1L protein (p.Arg649Gln). This variant is present in population databases (rs560144848, gnomAD 0.05%). This variant has not been reported in the literature in individuals affected with RPGRIP1L-related conditions. ClinVar contains an entry for this variant (Variation ID: 856779). Invitae Evidence Modeling of protein sequence and biophysical properties (such as structural, functional, and spatial information, amino acid conservation, physicochemical variation, residue mobility, and thermodynamic stability) indicates that this missense variant is not expected to disrupt RPGRIP1L protein function with a negative predictive value of 80%. In summary, the available evidence is currently insufficient to determine the role of this variant in disease. Therefore, it has been classified as a Variant of Uncertain Significance.

Fulgent Genetics
Classification: Uncertain significance for Joubert syndrome 7; Meckel syndrome, type 5; COACH syndrome 3. Last evaluated: 2022-04-11. Review status: criteria provided, single submitter. Criteria: ACMG Guidelines, 2015. Collection method: clinical testing. Allele origin: unknown.

Ambry Genetics
Classification: Uncertain significance for Inborn genetic diseases. Last evaluated: 2021-09-27. Review status: criteria provided, single submitter. Criteria: Ambry Variant Classification Scheme 2023. Collection method: clinical testing. Allele origin: germline.

PreventionGenetics, part of Exact Sciences
Classification: Uncertain significance for RPGRIP1L-related condition. Last evaluated: 2023-12-29. Review status: no assertion criteria provided. Collection method: clinical testing. Allele origin: germline. Not counted in ClinVar's aggregate classification.
Comment: The RPGRIP1L c.1946G>A variant is predicted to result in the amino acid substitution p.Arg649Gln. To our knowledge, this variant has not been reported in the literature. This variant is reported in 0.044% of alleles in individuals of African descent in gnomAD. At this time, the clinical significance of this variant is uncertain due to the absence of conclusive functional and genetic evidence.

Natera, Inc.
Classification: Uncertain significance for Joubert syndrome. Last evaluated: 2020-12-30. Review status: no assertion criteria provided. Collection method: clinical testing. Allele origin: germline. Not counted in ClinVar's aggregate classification.

NM_015272.5(RPGRIP1L):c.1946G>A (p.Arg649Gln)

Gene: RPGRIP1L (RPGRIP1 like; minus strand). Cytogenetic location: 16q12.2.
Variant type: single nucleotide variant.
Coding change: c.1946G>A on transcript NM_015272.5 (MANE Select); coding-DNA position 1946, G replaced by A.
Protein change: p.Arg649Gln; replaces arginine 649 with glutamine.
Molecular consequence: missense variant.
Genome position (GRCh38, 1-based): chr16:53,652,741, C>T on the plus strand (G>A on the coding strand, the complement: RPGRIP1L is on the minus strand). VCF-style: chr16-53652741-C-T. GRCh37 (hg19) VCF-style: chr16-53686653-C-T.
Other names: c.1946G>A, p.Arg649Gln (NM_001127897.4, NM_001308334.3, NM_001330538.2); c.1946G>A (NM_015272.4); short protein forms R649Q.
Identifiers: ClinVar variation 856779 (VCV000856779.10), dbSNP rs560144848, ClinGen allele CA8057669.